The following is an entry in ClinVar:

ClinVar aggregate classification (germline): Uncertain significance (1 of 4 stars; one submission).

Allele frequency attached by ClinVar (database versions not stated): 1000 Genomes Project 30x 0.00016; 1000 Genomes Project 0.00020; ESP Exome Variant Server 0.00031; TOPMed 0.00044.

Submission:

Labcorp Genetics (formerly Invitae), Labcorp
Classification: Uncertain significance. Last evaluated: 2026-01-21. Review status: criteria provided, single submitter. Criteria: Invitae Variant Classification Sherloc (09022015). Collection method: clinical testing. Allele origin: germline.
Comment: This sequence change replaces arginine, which is basic and polar, with cysteine, which is neutral and slightly polar, at codon 432 of the CSF2RB protein (p.Arg432Cys). This variant is present in population databases (rs144177473, gnomAD 0.03%). This variant has not been reported in the literature in individuals affected with CSF2RB-related conditions. ClinVar contains an entry for this variant (Variation ID: 1040698). Invitae Evidence Modeling of protein sequence and biophysical properties (such as structural, functional, and spatial information, amino acid conservation, physicochemical variation, residue mobility, and thermodynamic stability) indicates that this missense variant is not expected to disrupt CSF2RB protein function with a negative predictive value of 80%. In summary, the available evidence is currently insufficient to determine the role of this variant in disease. Therefore, it has been classified as a Variant of Uncertain Significance.

NM_000395.3(CSF2RB):c.1294C>T (p.Arg432Cys)

Gene: CSF2RB (colony stimulating factor 2 receptor subunit beta; plus strand). Cytogenetic location: 22q12.3.
Variant type: single nucleotide variant.
Coding change: c.1294C>T on transcript NM_000395.3 (MANE Select); coding-DNA position 1294, C replaced by T.
Protein change: p.Arg432Cys; replaces arginine 432 with cysteine.
Molecular consequence: missense variant.
Genome position (GRCh38, 1-based): chr22:36,933,973, C>T. VCF-style: chr22-36933973-C-T. GRCh37 (hg19) VCF-style: chr22-37330015-C-T.
Other names: short protein forms R432C.
Identifiers: ClinVar variation 1040698 (VCV001040698.7), dbSNP rs144177473, ClinGen allele CA10213767.